The following is an entry in ClinVar:

ClinVar aggregate classification (germline): Uncertain significance (0 of 4 stars; one submission).

Conditions:
NCOA1-related disorder. Also called: NCOA1-related condition.

gnomAD v4.1: 11 of 1,614,184 alleles (0.00068%); highest among the groups gnomAD compares: Middle Eastern, 0.016%; no homozygotes.

Submission:

PreventionGenetics, part of Exact Sciences
Classification: Uncertain significance for NCOA1-related condition. Last evaluated: 2024-05-02. Review status: no assertion criteria provided. Collection method: clinical testing. Allele origin: germline.
Comment: The NCOA1 c.3601C>T variant is predicted to result in the amino acid substitution p.Arg1201Cys. To our knowledge, this variant has not been reported in the literature. This variant is reported in 0.0018% of alleles in individuals of European (Non-Finnish) descent in gnomAD. At this time, the clinical significance of this variant is uncertain due to the absence of conclusive functional and genetic evidence.

NM_003743.5(NCOA1):c.3601C>T (p.Arg1201Cys)

Gene: NCOA1 (nuclear receptor coactivator 1; plus strand). Cytogenetic location: 2p23.3.
Variant type: single nucleotide variant.
Coding change: c.3601C>T on transcript NM_003743.5 (MANE Select); coding-DNA position 3601, C replaced by T.
Protein change: p.Arg1201Cys; replaces arginine 1201 with cysteine.
Molecular consequence: missense variant.
Genome position (GRCh38, 1-based): chr2:24,742,081, C>T. VCF-style: chr2-24742081-C-T. GRCh37 (hg19) VCF-style: chr2-24964950-C-T.
Other names: c.3601C>T, p.Arg1201Cys (NM_001362950.1, NM_001362952.1, NM_001362954.1 and 3 more transcripts); short protein forms R1201C.
Identifiers: ClinVar variation 3358462 (VCV003358462.1).
Genomic context (GRCh38, chr2:24,742,081, plus strand): 5'-CCTGCTTCTACCAGCCCGTTTTCACAACTAGCAGCAAATCCTGAAGCATCCTTGGCCAAC[C>T]GCAACAGCATGGTGAGCAGAGGCATGACAGGAAACATAGGAGGACAGTTTGGCACTGGAA-3'
Protein context (NP_003734.3, residues 1191-1211): AANPEASLAN[Arg1201Cys]NSMVSRGMTG